The following is an entry in ClinVar:

NM_001065.4(TNFRSF1A):c.1285G>T (p.Asp429Tyr)

Gene: TNFRSF1A (TNF receptor superfamily member 1A; minus strand). Cytogenetic location: 12p13.31.
Variant type: single nucleotide variant.
Coding change: c.1285G>T on transcript NM_001065.4 (MANE Select); coding-DNA position 1285, G replaced by T.
Protein change: p.Asp429Tyr; replaces aspartic acid 429 with tyrosine.
Molecular consequence: missense variant. On other transcripts: non-coding transcript variant (1).
Genome position (GRCh38, 1-based): chr12:6,329,395, C>A on the plus strand (G>T on the coding strand, the complement: TNFRSF1A is on the minus strand). VCF-style: chr12-6329395-C-A. GRCh37 (hg19) VCF-style: chr12-6438561-C-A.
Other names: c.961G>T, p.Asp321Tyr (NM_001346091.2); c.826G>T, p.Asp276Tyr (NM_001346092.2); short protein forms D276Y, D321Y, D429Y.
Identifiers: ClinVar variation 2632168 (VCV002632168.1), dbSNP rs2497784474, ClinGen allele CA383544505.

ClinVar aggregate classification (germline): Uncertain significance (1 of 4 stars; one submission).

Conditions:
TNFRSF1A-related disorder. Also called: TNFRSF1A-related condition.

Submission:

PreventionGenetics, part of Exact Sciences
Classification: Uncertain significance for TNFRSF1A-related condition. Last evaluated: 2023-06-14. Review status: criteria provided, single submitter. Criteria: ACMG Guidelines, 2015. Collection method: clinical testing. Allele origin: germline.
Comment: The TNFRSF1A c.1285G>T variant is predicted to result in the amino acid substitution p.Asp429Tyr. To our knowledge, this variant has not been reported in the literature or in a large population database, indicating this variant is rare. At this time, the clinical significance of this variant is uncertain due to the absence of conclusive functional and genetic evidence.